The following is an entry in ClinVar:

NM_014384.3(ACAD8):c.340A>G (p.Thr114Ala)

Gene: ACAD8 (acyl-CoA dehydrogenase family member 8; plus strand). Cytogenetic location: 11q25.
Variant type: single nucleotide variant.
Coding change: c.340A>G on transcript NM_014384.3 (MANE Select); coding-DNA position 340, A replaced by G.
Protein change: p.Thr114Ala; replaces threonine 114 with alanine.
Molecular consequence: missense variant.
Genome position (GRCh38, 1-based): chr11:134,257,217, A>G. VCF-style: chr11-134257217-A-G. GRCh37 (hg19) VCF-style: chr11-134127111-A-G.
Other names: short protein forms T114A.
Identifiers: ClinVar variation 952643 (VCV000952643.10), dbSNP rs935057058, ClinGen allele CA231272430.
Genomic context (GRCh38, chr11:134,257,217, plus strand): 5'-GATGTGGGCGGGTCTGGGCTGTCACGTCTTGATACCTCTGTCATTTTTGAAGCCTTGGCT[A>G]CAGGCTGCACCAGCACCACAGCCTATATAAGCATCCACAAGTGAGTGCCCAAGCTTGGAA-3'
Protein context (NP_055199.1, residues 104-124): DTSVIFEALA[Thr114Ala]GCTSTTAYIS

ClinVar aggregate classification (germline): Uncertain significance (1 of 4 stars; one submission).

Conditions:
Deficiency of isobutyryl-CoA dehydrogenase. Also called: IBD DEFICIENCY; ACYL-CoA DEHYDROGENASE FAMILY, MEMBER 8, DEFICIENCY OF; ACAD8 DEFICIENCY. Identifiers: Orphanet 79159, MedGen C1969809, MONDO:0012648, OMIM 611283.

Allele frequency attached by ClinVar (database versions not stated): gnomAD exomes below 0.00001 and 0.00002; TOPMed below 0.00001.
gnomAD v4.1: 22 of 1,614,208 alleles (0.0014%); highest among the groups gnomAD compares: Non-Finnish European, 0.0019%; no homozygotes.

Submission:

Labcorp Genetics (formerly Invitae), Labcorp
Classification: Uncertain significance for Deficiency of isobutyryl-CoA dehydrogenase. Last evaluated: 2024-01-04. Review status: criteria provided, single submitter. Criteria: Invitae Variant Classification Sherloc (09022015). Collection method: clinical testing. Allele origin: germline.
Comment: This sequence change replaces threonine, which is neutral and polar, with alanine, which is neutral and non-polar, at codon 114 of the ACAD8 protein (p.Thr114Ala). This variant is present in population databases (no rsID available, gnomAD 0.0009%). This variant has not been reported in the literature in individuals affected with ACAD8-related conditions. ClinVar contains an entry for this variant (Variation ID: 952643). Advanced modeling of protein sequence and biophysical properties (such as structural, functional, and spatial information, amino acid conservation, physicochemical variation, residue mobility, and thermodynamic stability) performed at Invitae indicates that this missense variant is not expected to disrupt ACAD8 protein function with a negative predictive value of 80%. In summary, the available evidence is currently insufficient to determine the role of this variant in disease. Therefore, it has been classified as a Variant of Uncertain Significance.